The following is an entry in ClinVar:

NM_000217.3(KCNA1):c.931G>T (p.Gly311Cys)

Gene: KCNA1 (potassium voltage-gated channel subfamily A member 1; plus strand). Cytogenetic location: 12p13.32.
Variant type: single nucleotide variant.
Coding change: c.931G>T on transcript NM_000217.3 (MANE Select); coding-DNA position 931, G replaced by T.
Protein change: p.Gly311Cys; replaces glycine 311 with cysteine.
Molecular consequence: missense variant.
Genome position (GRCh38, 1-based): chr12:4,912,309, G>T. VCF-style: chr12-4912309-G-T. GRCh37 (hg19) VCF-style: chr12-5021475-G-T.
Other names: short protein forms G311C.
Identifiers: ClinVar variation 957833 (VCV000957833.11), dbSNP rs1947357459, ClinGen allele CA383455657.
Genomic context (GRCh38, chr12:4,912,309, plus strand): 5'-CTCAGGGTCATCCGCTTGGTAAGGGTTTTTAGAATCTTCAAGCTCTCCCGCCACTCTAAG[G>T]GCCTCCAGATCCTGGGCCAGACCCTCAAAGCTAGTATGAGAGAGCTAGGGCTGCTCATCT-3'
Protein context (NP_000208.2, residues 301-321): RIFKLSRHSK[Gly311Cys]LQILGQTLKA

ClinVar aggregate classification (germline): Uncertain significance. Review status: criteria provided, multiple submitters, no conflicts (2 of 4 stars). 2 submissions from 2 submitters: Uncertain significance (2). Last evaluated 2024-10-09.

Conditions:
Episodic ataxia type 1 (EA1). Also called: Episodic ataxia/myokymia syndrome; PAROXYSMAL ATAXIA WITH NEUROMYOTONIA, HEREDITARY; ATAXIA, EPISODIC, WITH MYOKYMIA; MYOKYMIA WITH PERIODIC ATAXIA. Identifiers: Orphanet 37612, Orphanet 972, MedGen C1719788, MONDO:0008047, OMIM 160120.

Allele frequency attached by ClinVar (database versions not stated): TOPMed below 0.00001.

Submissions (2):

Victorian Clinical Genetics Services, Murdoch Childrens Research Institute
Classification: Uncertain significance for Episodic ataxia type 1. Last evaluated: 2024-10-09. Review status: criteria provided, single submitter. Criteria: ACMG Guidelines, 2015. Collection method: clinical testing. Allele origin: germline. Inheritance: Autosomal dominant inheritance. Affected: yes.
Comment: Based on the classification scheme VCGS_Germline_v1.3.4, this variant is classified as VUS-3A. Following criteria are met: 0103 - Dominant negative and loss of function are known mechanisms of disease in this gene and are associated with episodic ataxia/myokymia syndrome (MIM#160120) (PMID: 11026449). (I) 0107 - This gene is associated with autosomal dominant disease. (I) 0112 - The condition associated with this gene has incomplete penetrance (PMID: 20301785). (I) 0115 - Variants in this gene are known to have variable expressivity. Significant inter- and intrafamilial variability is known for this gene, including some individuals reported to have isolated epileptic encephalopathies (PMIDs: 20301785, 32316562). (I) 0200 - Variant is predicted to result in a missense amino acid change from glycine to cysteine. (I) 0251 - This variant is heterozygous. (I) 0301 - Variant is absent from gnomAD (both v2 and v3). (SP) 0501 - Missense variant consistently predicted to be damaging by multiple in silico tools or highly conserved with a major amino acid change. (SP) 0601 - Variant is located in the well-established functional ion transport protein domain, specifically in the S4-S5 linker (DECIPHER, PMID: 30140249). Two alternative amino acid changes at this residue have been shown to disrupt the channels function and decrease its current (PMIDs: 30140249, 32577860, 9714564). (SP) 0704 - Another missense variant comparable to the one identified in this case has limited previous evidence for pathogenicity. p.(Gly311Asp) has been observed as de novo in an individual with episodic ataxia (PMID: 30140249). p.(Gly311Ser) has also been mentioned in the literature; however, there is limited information about the individual in whom it was observed (PMID: 9714564). (SP) 0809 - Previous evidence of pathogenicity for this variant is inconclusive. This variant has been classified as a VUS by a clinical laboratory in ClinVar. (I) 0905 - No published segregation evidence has been identified for this variant. (I) 1007 - No published functional evidence has been identified for this variant. (I) Legend: (SP) - Supporting pathogenic, (I) - Information, (SB) - Supporting benign

Labcorp Genetics (formerly Invitae), Labcorp
Classification: Uncertain significance for Episodic ataxia type 1. Last evaluated: 2021-06-18. Review status: criteria provided, single submitter. Criteria: Invitae Variant Classification Sherloc (09022015). Collection method: clinical testing. Allele origin: germline.
Comment: In summary, the available evidence is currently insufficient to determine the role of this variant in disease. Therefore, it has been classified as a Variant of Uncertain Significance. This variant disrupts the p.Gly311 amino acid residue in KCNA1. Other variant(s) that disrupt this residue have been determined to be pathogenic (PMID: 30140249). This suggests that this residue is clinically significant, and that variants that disrupt this residue are likely to be disease-causing. Algorithms developed to predict the effect of missense changes on protein structure and function (SIFT, PolyPhen-2, Align-GVGD) all suggest that this variant is likely to be disruptive, but these predictions have not been confirmed by published functional studies and their clinical significance is uncertain. This variant has not been reported in the literature in individuals with KCNA1-related conditions. This variant is not present in population databases (ExAC no frequency). This sequence change replaces glycine with cysteine at codon 311 of the KCNA1 protein (p.Gly311Cys). The glycine residue is highly conserved and there is a large physicochemical difference between glycine and cysteine.

Literature cited by the submitters: PubMed 9714564 (cited by Victorian Clinical Genetics Services, Murdoch Childrens Research Institute); PubMed 11026449 (cited by Victorian Clinical Genetics Services, Murdoch Childrens Research Institute); PubMed 20301785 (cited by Victorian Clinical Genetics Services, Murdoch Childrens Research Institute); PubMed 30140249 (cited by Victorian Clinical Genetics Services, Murdoch Childrens Research Institute and Labcorp Genetics (formerly Invitae), Labcorp); PubMed 32316562 (cited by Victorian Clinical Genetics Services, Murdoch Childrens Research Institute); PubMed 32577860 (cited by Victorian Clinical Genetics Services, Murdoch Childrens Research Institute).